The following is an entry in ClinVar:

NM_001321075.3(DLG4):c.1154del (p.Thr385fs)

Genes: DLG4 (discs large MAGUK scaffold protein 4; minus strand), LOC126862479 (MED14-independent group 3 enhancer GRCh37_chr17:7099412-7100611; plus strand). Cytogenetic location: 17p13.1.
Variant type: Deletion.
Coding change: c.1154del on transcript NM_001321075.3 (MANE Select); coding-DNA position 1154, one base deleted (C; older notation c.1154delC).
Protein change: p.Thr385fs; shifts the reading frame from threonine 385.
Molecular consequence: frameshift variant. On other transcripts: non-coding transcript variant (1).
Genome position (GRCh38, 1-based): chr17:7,196,505, G deleted on the plus strand (C on the coding strand, the reverse complement: DLG4 is on the minus strand). VCF-style (leftmost placement, unchanged base first): chr17-7196504-CG-C. GRCh37 (hg19) VCF-style: chr17-7099823-CG-C.
Other names: c.1145del, p.Thr382fs (NM_001128827.4); c.1274del, p.Thr425fs (NM_001321074.1); c.974del, p.Thr325fs (NM_001321076.3, NM_001321077.3); c.1283delC, p.Thr428Argfs (NM_001365.5); c.1073del, p.Thr358fs (NM_001369566.3); short protein forms T382fs, T385fs, T325fs, T358fs, T425fs, T428fs.
Identifiers: ClinVar variation 523996 (VCV000523996.2), dbSNP rs1555522077, ClinGen allele CA658798701.

ClinVar aggregate classification (germline): Pathogenic (1 of 4 stars; one submission).

Submission:

GeneDx
Classification: Pathogenic. Last evaluated: 2018-03-29. Review status: criteria provided, single submitter. Criteria: GeneDx Variant Classification (06012015). Collection method: clinical testing. Allele origin: germline. Affected: yes.
Comment: The c.1283delC variant in the DLG4 gene has not been published as a pathogenic variant, nor has it been reported as a benign variant, to our knowledge. The c.1283delC variant causes a frameshift starting with codon Threonine 428, changes this amino acid to a Arginine residue, and creates a premature Stop codon at position 28 of the new reading frame, denoted p.Thr428ArgfsX28. This variant is predicted to cause loss of normal protein function either through protein truncation or nonsense-mediated mRNA decay. Furthermore, the c.1283delC variant is not observed in large population cohorts (Lek et al., 2016). We interpret c.1283delC as a pathogenic varian